The following is an entry in ClinVar:

NM_022124.6(CDH23):c.6712+903A>T

Gene: CDH23 (cadherin related 23; plus strand). Cytogenetic location: 10q22.1.
Variant type: single nucleotide variant.
Coding change: c.6712+903A>T on transcript NM_022124.6 (MANE Select); 903 bases into the intron after coding-DNA position 6712, A replaced by T.
Molecular consequence: intron variant.
Genome position (GRCh38, 1-based): chr10:71,794,543, A>T. VCF-style: chr10-71794543-A-T. GRCh37 (hg19) VCF-style: chr10-73554300-A-T.
Identifiers: ClinVar variation 2570770 (VCV002570770.27), dbSNP rs141287114, ClinGen allele CA209466967.

ClinVar aggregate classification (germline): Likely benign (1 of 4 stars; one submission).

Allele frequency attached by ClinVar (database versions not stated): 1000 Genomes Project 30x 0.00062; 1000 Genomes Project 0.00080; TOPMed 0.00197; gnomAD 0.00283.

Submission:

CeGaT Center for Human Genetics Tuebingen
Classification: Likely benign. Last evaluated: 2023-04-01. Review status: criteria provided, single submitter. Criteria: CeGaT Center For Human Genetics Tuebingen Variant Classification Criteria Version 2. Collection method: clinical testing. Allele origin: germline. Affected: yes. Observed: 4 variant alleles.
Comment: CDH23: BS2